The following is an entry in ClinVar:

NM_006767.4(LZTR1):c.2366A>G (p.Lys789Arg)

Gene: LZTR1 (leucine zipper like post translational regulator 1; plus strand). Cytogenetic location: 22q11.21.
Variant type: single nucleotide variant.
Coding change: c.2366A>G on transcript NM_006767.4 (MANE Select); coding-DNA position 2366, A replaced by G.
Protein change: p.Lys789Arg; replaces lysine 789 with arginine.
Molecular consequence: missense variant.
Genome position (GRCh38, 1-based): chr22:20,996,926, A>G. VCF-style: chr22-20996926-A-G. GRCh37 (hg19) VCF-style: chr22-21351215-A-G.
Other names: short protein forms K789R.
Identifiers: ClinVar variation 1790213 (VCV001790213.5), dbSNP rs1370157440, ClinGen allele CA410781059.

ClinVar aggregate classification (germline): Uncertain significance. Review status: criteria provided, multiple submitters, no conflicts (2 of 4 stars). 2 submissions from 2 submitters: Uncertain significance (2). Last evaluated 2025-01-08.

Conditions:
Hereditary cancer-predisposing syndrome. Also called: Hereditary Cancer Syndrome; Hereditary neoplastic syndrome; Tumor predisposition; Neoplastic Syndromes, Hereditary. Identifiers: Orphanet 140162, MedGen C0027672, MeSH D009386, MONDO:0015356.
Cardiovascular phenotype. Identifiers: MedGen CN230736.

Allele frequency attached by ClinVar (database versions not stated): gnomAD exomes below 0.00001; TOPMed below 0.00001.
gnomAD v4.1: 2 of 1,613,510 alleles (0.00012%); highest among the groups gnomAD compares: South Asian, 0.0022%; no homozygotes.

Submissions (2):

Ambry Genetics
Classification: Uncertain significance for Cardiovascular phenotype; Hereditary cancer-predisposing syndrome. Last evaluated: 2025-01-08. Review status: criteria provided, single submitter. Criteria: Ambry Variant Classification Scheme 2023. Collection method: clinical testing. Allele origin: germline.
Comment: The p.K789R variant (also known as c.2366A>G), located in coding exon 20 of the LZTR1 gene, results from an A to G substitution at nucleotide position 2366. The lysine at codon 789 is replaced by arginine, an amino acid with highly similar properties. This variant was reported in individual(s) with features consistent with LZTR1-related schwannomatosis (Louvrier C et al. Neuro Oncol, 2018 Jun;20:917-929). This amino acid position is highly conserved in available vertebrate species. In addition, the in silico prediction for this alteration is inconclusive. Based on the available evidence, the clinical significance of this variant remains unclear.

Labcorp Genetics (formerly Invitae), Labcorp
Classification: Uncertain significance. Last evaluated: 2024-02-26. Review status: criteria provided, single submitter. Criteria: Invitae Variant Classification Sherloc (09022015). Collection method: clinical testing. Allele origin: germline.
Comment: This sequence change replaces lysine, which is basic and polar, with arginine, which is basic and polar, at codon 789 of the LZTR1 protein (p.Lys789Arg). This variant is not present in population databases (gnomAD no frequency). This missense change has been observed in individual(s) with clinical features of LZTR1-related conditions (PMID: 29409008). ClinVar contains an entry for this variant (Variation ID: 1790213). Advanced modeling of protein sequence and biophysical properties (such as structural, functional, and spatial information, amino acid conservation, physicochemical variation, residue mobility, and thermodynamic stability) performed at Invitae indicates that this missense variant is not expected to disrupt LZTR1 protein function with a negative predictive value of 80%. In summary, the available evidence is currently insufficient to determine the role of this variant in disease. Therefore, it has been classified as a Variant of Uncertain Significance.

Literature cited by the submitters: PubMed 29409008 (cited by Ambry Genetics and Labcorp Genetics (formerly Invitae), Labcorp).